The following is an entry in ClinVar:

ClinVar aggregate classification (germline): Uncertain significance (1 of 4 stars; one submission).

Submission:

Ambry Genetics
Classification: Uncertain significance. Last evaluated: 2025-02-05. Review status: criteria provided, single submitter. Criteria: Ambry Variant Classification Scheme 2023. Collection method: clinical testing. Allele origin: germline.
Comment: The p.N970S variant (also known as c.2909A>G), located in coding exon 10 of the CDK12 gene, results from an A to G substitution at nucleotide position 2909. The asparagine at codon 970 is replaced by serine, an amino acid with highly similar properties. This amino acid position is conserved. In addition, this alteration is predicted to be tolerated by in silico analysis. Based on the available evidence, the clinical significance of this variant remains unclear.

NM_016507.4(CDK12):c.2909A>G (p.Asn970Ser)

Gene: CDK12 (cyclin dependent kinase 12; plus strand). Cytogenetic location: 17q12.
Variant type: single nucleotide variant.
Coding change: c.2909A>G on transcript NM_016507.4 (MANE Select); coding-DNA position 2909, A replaced by G.
Protein change: p.Asn970Ser; replaces asparagine 970 with serine.
Molecular consequence: missense variant.
Genome position (GRCh38, 1-based): chr17:39,517,502, A>G. VCF-style: chr17-39517502-A-G. GRCh37 (hg19) VCF-style: chr17-37673755-A-G.
Other names: c.2909A>G, p.Asn970Ser (NM_015083.4); short protein forms N970S.
Identifiers: ClinVar variation 3830613 (VCV003830613.1).